The following is an entry in ClinVar:

ClinVar aggregate classification (germline): Uncertain significance (1 of 4 stars; one submission).

Submission:

GeneDx
Classification: Uncertain significance. Last evaluated: 2026-02-19. Review status: criteria provided, single submitter. Criteria: GeneDx Variant Classification Process June 2021. Collection method: clinical testing. Allele origin: germline.
Comment: Not observed at significant frequency in large population cohorts (gnomAD); In silico analysis suggests that this missense variant does not alter protein structure/function; Has not been previously published as pathogenic or benign to our knowledge

NM_006267.5(RANBP2):c.1036A>G (p.Met346Val)

Gene: RANBP2 (RAN binding protein 2; plus strand). Cytogenetic location: 2q13.
Variant type: single nucleotide variant.
Coding change: c.1036A>G on transcript NM_006267.5 (MANE Select); coding-DNA position 1036, A replaced by G.
Protein change: p.Met346Val; replaces methionine 346 with valine.
Molecular consequence: missense variant.
Genome position (GRCh38, 1-based): chr2:108,746,771, A>G. VCF-style: chr2-108746771-A-G. GRCh37 (hg19) VCF-style: chr2-109363227-A-G.
Other names: c.1036A>G, p.Met346Val (NM_001415871.1, NM_001415873.1); c.1033A>G, p.Met345Val (NM_001415872.1); short protein forms M345V, M346V.
Identifiers: ClinVar variation 4975800 (VCV004975800.1).